The following is an entry in ClinVar:

ClinVar aggregate classification (germline): Likely pathogenic. Review status: criteria provided, multiple submitters, no conflicts (2 of 4 stars). 3 submissions from 3 submitters: Likely pathogenic (3). Last evaluated 2025-03-30.

Conditions:
Early-infantile DEE. Also called: Early infantile epileptic encephalopathy; Ohtahara syndrome; Early infantile epileptic encephalopathy with suppression bursts. Identifiers: Orphanet 1934, MedGen C0393706, MONDO:0800491.
Developmental and epileptic encephalopathy, 7 (DEE7). Also called: KCNQ2-Related Neonatal Epileptic Encephalopathy; Early infantile epileptic encephalopathy 7; KCNQ2-Related Neonatal-Onset Developmental and Epileptic Encephalopathy (NEO-DEE). Identifiers: Orphanet 439218, MedGen C3150986, MONDO:0013387, OMIM 613720.

Submissions (3):

Labcorp Genetics (formerly Invitae), Labcorp
Classification: Likely pathogenic for Early-infantile DEE. Last evaluated: 2025-03-30. Review status: criteria provided, single submitter. Criteria: Invitae Variant Classification Sherloc (09022015). Collection method: clinical testing. Allele origin: germline.
Comment: This sequence change replaces aspartic acid, which is acidic and polar, with glycine, which is neutral and non-polar, at codon 259 of the KCNQ2 protein (p.Asp259Gly). This variant is not present in population databases (gnomAD no frequency). This missense change has been observed in individual(s) with clinical features of KCNQ2-related conditions (internal data). ClinVar contains an entry for this variant (Variation ID: 373573). Invitae Evidence Modeling of protein sequence and biophysical properties (such as structural, functional, and spatial information, amino acid conservation, physicochemical variation, residue mobility, and thermodynamic stability) indicates that this missense variant is expected to disrupt KCNQ2 protein function with a positive predictive value of 95%. This variant disrupts the p.Asp259 amino acid residue in KCNQ2. Other variant(s) that disrupt this residue have been observed in individuals with KCNQ2-related conditions (PMID: 27535030, 29215089; internal data), which suggests that this may be a clinically significant amino acid residue. In summary, the currently available evidence indicates that the variant is pathogenic, but additional data are needed to prove that conclusively. Therefore, this variant has been classified as Likely Pathogenic.

Institute of Human Genetics, University of Leipzig Medical Center
Classification: Likely pathogenic for Developmental and epileptic encephalopathy, 7. Last evaluated: 2024-09-20. Review status: criteria provided, single submitter. Criteria: ACMG Guidelines, 2015. Collection method: clinical testing. Allele origin: unknown. Affected: yes.
Comment: Criteria applied: PM1,PM2,PM5,PS4_SUP,PP2

GeneDx
Classification: Likely pathogenic. Last evaluated: 2016-11-28. Review status: criteria provided, single submitter. Criteria: GeneDx Variant Classification (06012015). Collection method: clinical testing. Allele origin: germline. Affected: yes.
Comment: A novel D259G variant that is likely pathogenic has been identified in the KCNQ2 gene. The D259G variant has not been published as a pathogenic variant, nor has it been reported as a benign variant to our knowledge. It was not observed in approximately 6,500 individuals of European and African American ancestry in the NHLBI Exome Sequencing Project, indicating it is not a common benign variant in these populations. The D259G variant is a non-conservative amino acid substitution, which is likely to impact secondary protein structure as these residues differ in polarity, charge, size and/or other properties. This substitution occurs at a position where amino acids with similar properties to Aspartic acid are tolerated across species. This substitution is predicted to be within the extracellular loop between the 5th and 6th transmembrane domains, and multiple missense variants in nearby residues have been reported in the Human Gene Mutation Database in association with KCNQ2-related disorders (Stenson et al., 2014), supporting the functional importance of this region of the protein. In silico analysis predicts this variant is probably damaging to the protein structure/function. Therefore, this variant is likely pathogenic; however, the possibility that it is benign cannot be excluded.

Literature cited by the submitters: PubMed 27535030 (cited by Labcorp Genetics (formerly Invitae), Labcorp); PubMed 29215089 (cited by Labcorp Genetics (formerly Invitae), Labcorp).

NM_172107.4(KCNQ2):c.776A>G (p.Asp259Gly)

Gene: KCNQ2 (potassium voltage-gated channel subfamily Q member 2; minus strand). Cytogenetic location: 20q13.33.
Variant type: single nucleotide variant.
Coding change: c.776A>G on transcript NM_172107.4 (MANE Select); coding-DNA position 776, A replaced by G.
Protein change: p.Asp259Gly; replaces aspartic acid 259 with glycine.
Molecular consequence: missense variant.
Genome position (GRCh38, 1-based): chr20:63,442,446, T>C on the plus strand (A>G on the coding strand, the complement: KCNQ2 is on the minus strand). VCF-style: chr20-63442446-T-C. GRCh37 (hg19) VCF-style: chr20-62073799-T-C.
Other names: c.776A>G, p.Asp259Gly (NM_004518.6, NM_172106.3, NM_172108.5 and 1 more transcripts); short protein forms D259G.
Identifiers: ClinVar variation 373573 (VCV000373573.5), dbSNP rs1057518489, ClinGen allele CA16043114.